The following is an entry in ClinVar:

ClinVar aggregate classification (germline): Uncertain significance. Review status: criteria provided, multiple submitters, no conflicts (2 of 4 stars). 3 submissions from 3 submitters: Uncertain significance (3). Last evaluated 2025-04-01.

Conditions:
Hereditary cancer-predisposing syndrome. Also called: Neoplastic Syndromes, Hereditary; Tumor predisposition; Hereditary Cancer Syndrome; Hereditary neoplastic syndrome. Identifiers: Orphanet 140162, MedGen C0027672, MeSH D009386, MONDO:0015356.
Familial cancer of breast. Also called: BREAST CANCER, FAMILIAL; Hereditary breast cancer; hereditary breast carcinoma. Identifiers: Orphanet 227535, MedGen C0346153, MONDO:0016419, OMIM 114480. Disease mechanism: loss of function.

Allele frequency attached by ClinVar (database versions not stated): TOPMed 0.00001.

Submissions (3):

Labcorp Genetics (formerly Invitae), Labcorp
Classification: Uncertain significance for Familial cancer of breast. Last evaluated: 2025-04-01. Review status: criteria provided, single submitter. Criteria: Invitae Variant Classification Sherloc (09022015). Collection method: clinical testing. Allele origin: germline.
Comment: This sequence change replaces tyrosine, which is neutral and polar, with serine, which is neutral and polar, at codon 739 of the BARD1 protein (p.Tyr739Ser). This variant is present in population databases (rs777013688, gnomAD 0.003%). This variant has not been reported in the literature in individuals affected with BARD1-related conditions. ClinVar contains an entry for this variant (Variation ID: 482802). An algorithm developed to predict the effect of missense changes on protein structure and function (PolyPhen-2) suggests that this variant is likely to be disruptive. In summary, the available evidence is currently insufficient to determine the role of this variant in disease. Therefore, it has been classified as a Variant of Uncertain Significance.

Ambry Genetics
Classification: Uncertain significance for Hereditary cancer-predisposing syndrome. Last evaluated: 2024-03-08. Review status: criteria provided, single submitter. Criteria: Ambry Variant Classification Scheme 2023. Collection method: clinical testing. Allele origin: germline.
Comment: The p.Y739S variant (also known as c.2216A>C), located in coding exon 11 of the BARD1 gene, results from an A to C substitution at nucleotide position 2216. The tyrosine at codon 739 is replaced by serine, an amino acid with dissimilar properties. This amino acid position is highly conserved in available vertebrate species. In addition, this alteration is predicted to be tolerated by in silico analysis. Since supporting evidence is limited at this time, the clinical significance of this alteration remains unclear.

Baylor Genetics
Classification: Uncertain significance for Familial cancer of breast. Last evaluated: 2024-02-28. Review status: criteria provided, single submitter. Criteria: ACMG Guidelines, 2015. Collection method: clinical testing. Allele origin: unknown.

NM_000465.4(BARD1):c.2216A>C (p.Tyr739Ser)

Gene: BARD1 (BRCA1 associated RING domain 1; minus strand). Cytogenetic location: 2q35.
Variant type: single nucleotide variant.
Coding change: c.2216A>C on transcript NM_000465.4 (MANE Select); coding-DNA position 2216, A replaced by C.
Protein change: p.Tyr739Ser; replaces tyrosine 739 with serine.
Molecular consequence: missense variant. On other transcripts: non-coding transcript variant (3).
Genome position (GRCh38, 1-based): chr2:214,728,794, T>G on the plus strand (A>C on the coding strand, the complement: BARD1 is on the minus strand). VCF-style: chr2-214728794-T-G. GRCh37 (hg19) VCF-style: chr2-215593518-T-G.
Other names: c.2159A>C, p.Tyr720Ser (NM_001282543.2); c.863A>C, p.Tyr288Ser (NM_001282545.2); c.806A>C, p.Tyr269Ser (NM_001282548.2); c.677A>C, p.Tyr226Ser (NM_001282549.2); short protein forms Y739S, Y226S, Y269S, Y288S, Y720S.
Identifiers: ClinVar variation 482802 (VCV000482802.16), dbSNP rs777013688, ClinGen allele CA2090059.